The following is an entry in ClinVar:

NM_005188.4(CBL):c.2169C>T (p.Asp723=)

Gene: CBL (Cbl proto-oncogene; plus strand). Cytogenetic location: 11q23.3.
Variant type: single nucleotide variant.
Coding change: c.2169C>T on transcript NM_005188.4 (MANE Select); coding-DNA position 2169, C replaced by T.
Protein change: p.Asp723=; no amino-acid change (aspartic acid 723 retained).
Molecular consequence: synonymous variant.
Genome position (GRCh38, 1-based): chr11:119,297,399, C>T. VCF-style: chr11-119297399-C-T. GRCh37 (hg19) VCF-style: chr11-119168109-C-T.
Other names: c.2169C>T (NM_005188.3, NM_005188.2).
Identifiers: ClinVar variation 1651339 (VCV001651339.11), dbSNP rs1447136408, ClinGen allele CA477131272.

ClinVar aggregate classification (germline): Likely benign. Review status: criteria provided, multiple submitters, no conflicts (2 of 4 stars). 3 submissions from 3 submitters: Likely benign (2). 1 of the submissions does not count toward it. Last evaluated 2025-03-31.

Conditions:
CBL-related disorder. Also called: NOONAN SYNDROME-LIKE DISORDER WITHOUT JUVENILE MYELOMONOCYTIC LEUKEMIA; CBL MUTATION-ASSOCIATED SYNDROME; CBL SYNDROME. Identifiers: Orphanet 363972, MedGen C3150803, MONDO:0013308, OMIM 613563.
Cardiovascular phenotype. Identifiers: MedGen CN230736.
RASopathy. Also called: Noonan spectrum disorder; rasopathies. Identifiers: Orphanet 536391, MedGen C5555857, MONDO:0021060.

Allele frequency attached by ClinVar (database versions not stated): gnomAD exomes below 0.00001 and 0.00001.
gnomAD v4.1: 3 of 1,613,490 alleles (0.00019%); highest among the groups gnomAD compares: Admixed American, 0.0033%; no homozygotes.

Submissions (3):

Ambry Genetics
Classification: Likely benign for Cardiovascular phenotype. Last evaluated: 2025-03-31. Review status: criteria provided, single submitter. Criteria: Ambry Variant Classification Scheme 2023. Collection method: clinical testing. Allele origin: germline.

Labcorp Genetics (formerly Invitae), Labcorp
Classification: Likely benign for RASopathy. Last evaluated: 2023-10-13. Review status: criteria provided, single submitter. Criteria: Invitae Variant Classification Sherloc (09022015). Collection method: clinical testing. Allele origin: germline.

PreventionGenetics, part of Exact Sciences
Classification: Likely benign for CBL-related condition. Last evaluated: 2022-12-14. Review status: no assertion criteria provided. Collection method: clinical testing. Allele origin: germline. Not counted in ClinVar's aggregate classification.
Comment: This variant is classified as likely benign based on ACMG/AMP sequence variant interpretation guidelines (Richards et al. 2015 PMID: 25741868, with internal and published modifications).